The following is an entry in ClinVar:

NM_006662.3(SRCAP):c.1478G>A (p.Ser493Asn)

Gene: SRCAP (Snf2 related CREBBP activator protein; plus strand). Cytogenetic location: 16p11.2.
Variant type: single nucleotide variant.
Coding change: c.1478G>A on transcript NM_006662.3 (MANE Select); coding-DNA position 1478, G replaced by A.
Protein change: p.Ser493Asn; replaces serine 493 with asparagine.
Molecular consequence: missense variant.
Genome position (GRCh38, 1-based): chr16:30,711,730, G>A. VCF-style: chr16-30711730-G-A. GRCh37 (hg19) VCF-style: chr16-30723051-G-A.
Other names: short protein forms S493N.
Identifiers: ClinVar variation 3604282 (VCV003604282.3).

ClinVar aggregate classification (germline): Conflicting classifications of pathogenicity. Review status: criteria provided, conflicting classifications (1 of 4 stars). 2 submissions from 2 submitters: Uncertain significance (1); Likely benign (1). Last evaluated 2025-07-27.

gnomAD v4.1: 7 of 1,612,948 alleles (0.00043%); highest among the groups gnomAD compares: African/African-American, 0.004%; no homozygotes.

Submissions (2):

Labcorp Genetics (formerly Invitae), Labcorp
Classification: Uncertain significance. Last evaluated: 2025-07-27. Review status: criteria provided, single submitter. Criteria: Invitae Variant Classification Sherloc (09022015). Collection method: clinical testing. Allele origin: germline.
Comment: This sequence change replaces serine, which is neutral and polar, with asparagine, which is neutral and polar, at codon 493 of the SRCAP protein (p.Ser493Asn). This variant is not present in population databases (gnomAD no frequency). This variant has not been reported in the literature in individuals affected with SRCAP-related conditions. ClinVar contains an entry for this variant (Variation ID: 3604282). Invitae Evidence Modeling of protein sequence and biophysical properties (such as structural, functional, and spatial information, amino acid conservation, physicochemical variation, residue mobility, and thermodynamic stability) indicates that this missense variant is not expected to disrupt SRCAP protein function with a negative predictive value of 80%. In summary, the available evidence is currently insufficient to determine the role of this variant in disease. Therefore, it has been classified as a Variant of Uncertain Significance.

Blueprint Genetics
Classification: Likely benign. Last evaluated: 2022-04-12. Review status: criteria provided, single submitter. Criteria: ACMG Guidelines, 2015. Collection method: clinical testing. Allele origin: germline.